The following is an entry in ClinVar:

ClinVar aggregate classification (germline): Uncertain significance (1 of 4 stars; one submission).

gnomAD v4.1: 3 of 1,552,780 alleles (0.00019%); highest among the groups gnomAD compares: Admixed American, 0.0019%; no homozygotes.

Submission:

Labcorp Genetics (formerly Invitae), Labcorp
Classification: Uncertain significance. Last evaluated: 2023-01-24. Review status: criteria provided, single submitter. Criteria: Invitae Variant Classification Sherloc (09022015). Collection method: clinical testing. Allele origin: germline.
Comment: In summary, the available evidence is currently insufficient to determine the role of this variant in disease. Therefore, it has been classified as a Variant of Uncertain Significance. Advanced modeling of protein sequence and biophysical properties (such as structural, functional, and spatial information, amino acid conservation, physicochemical variation, residue mobility, and thermodynamic stability) performed at Invitae indicates that this missense variant is not expected to disrupt NACC1 protein function. This variant has not been reported in the literature in individuals affected with NACC1-related conditions. This variant is not present in population databases (gnomAD no frequency). This sequence change replaces histidine, which is basic and polar, with glutamine, which is neutral and polar, at codon 217 of the NACC1 protein (p.His217Gln).

NM_052876.4(NACC1):c.651C>A (p.His217Gln)

Gene: NACC1 (nucleus accumbens associated 1; plus strand). Cytogenetic location: 19p13.13.
Variant type: single nucleotide variant.
Coding change: c.651C>A on transcript NM_052876.4 (MANE Select); coding-DNA position 651, C replaced by A.
Protein change: p.His217Gln; replaces histidine 217 with glutamine.
Molecular consequence: missense variant.
Genome position (GRCh38, 1-based): chr19:13,135,858, C>A. VCF-style: chr19-13135858-C-A. GRCh37 (hg19) VCF-style: chr19-13246672-C-A.
Other names: short protein forms H217Q.
Identifiers: ClinVar variation 1959136 (VCV001959136.5), dbSNP rs745755014, ClinGen allele CA404325828.